The following is an entry in ClinVar:

NM_024408.4(NOTCH2):c.6212C>T (p.Pro2071Leu)

Gene: NOTCH2 (notch receptor 2; minus strand). Cytogenetic location: 1p12.
Variant type: single nucleotide variant.
Coding change: c.6212C>T on transcript NM_024408.4 (MANE Select); coding-DNA position 6212, C replaced by T.
Protein change: p.Pro2071Leu; replaces proline 2071 with leucine.
Molecular consequence: missense variant.
Genome position (GRCh38, 1-based): chr1:119,916,510, G>A on the plus strand (C>T on the coding strand, the complement: NOTCH2 is on the minus strand). VCF-style: chr1-119916510-G-A. GRCh37 (hg19) VCF-style: chr1-120459133-G-A.
Other names: short protein forms P2071L.
Identifiers: ClinVar variation 1700289 (VCV001700289.2), dbSNP rs2101144758, ClinGen allele CA341879502.

ClinVar aggregate classification (germline): Uncertain significance (1 of 4 stars; one submission).

Allele frequency attached by ClinVar (database versions not stated): gnomAD exomes below 0.00001.
gnomAD v4.1: 3 of 1,612,576 alleles (0.00019%); highest among the groups gnomAD compares: Non-Finnish European, 0.00025%; no homozygotes.

Submission:

GeneDx
Classification: Uncertain significance. Last evaluated: 2022-02-07. Review status: criteria provided, single submitter. Criteria: GeneDx Variant Classification Process June 2021. Collection method: clinical testing. Allele origin: germline. Affected: yes.
Comment: Not observed at significant frequency in large population cohorts (gnomAD); In silico analysis supports that this missense variant has a deleterious effect on protein structure/function; Has not been previously published as pathogenic or benign to our knowledge